The following is an entry in ClinVar:

ClinVar aggregate classification (germline): Uncertain significance. Review status: criteria provided, multiple submitters, no conflicts (2 of 4 stars). 4 submissions from 4 submitters: Uncertain significance (4). Last evaluated 2025-08-24.

Conditions:
Cardiovascular phenotype. Identifiers: MedGen CN230736.
Hypertrichotic osteochondrodysplasia Cantu type. Also called: Cantú Syndrome; Cantu Syndrome. Identifiers: Orphanet 1517, MedGen C0795905, MONDO:0009406, OMIM 239850.
Dilated cardiomyopathy 1O (CMD1O). Also called: CARDIOMYOPATHY, DILATED, WITH VENTRICULAR TACHYCARDIA. Identifiers: Orphanet 154, MedGen C1837839, MONDO:0012062, OMIM 608569.
Atrial fibrillation, familial, 12 (ATFB12). Identifiers: MedGen C3279695, MONDO:0013545, OMIM 614050.
Intellectual disability and myopathy syndrome (IDMYS). Identifiers: MedGen C5676904, MONDO:0859224, OMIM 619719.

Allele frequency attached by ClinVar (database versions not stated): gnomAD exomes below 0.00001; TOPMed below 0.00001; gnomAD 0.00001.
gnomAD v4.1: 2 of 1,612,408 alleles (0.00012%); highest among the groups gnomAD compares: African/African-American, 0.0027%; no homozygotes.

Submissions (4):

Labcorp Genetics (formerly Invitae), Labcorp
Classification: Uncertain significance for Dilated cardiomyopathy 1O. Last evaluated: 2025-08-24. Review status: criteria provided, single submitter. Criteria: Invitae Variant Classification Sherloc (09022015). Collection method: clinical testing. Allele origin: germline.
Comment: This sequence change replaces lysine, which is basic and polar, with arginine, which is basic and polar, at codon 132 of the ABCC9 protein (p.Lys132Arg). This variant is present in population databases (rs727505161, gnomAD 0.008%). This variant has not been reported in the literature in individuals affected with ABCC9-related conditions. ClinVar contains an entry for this variant (Variation ID: 179833). Invitae Evidence Modeling of protein sequence and biophysical properties (such as structural, functional, and spatial information, amino acid conservation, physicochemical variation, residue mobility, and thermodynamic stability) indicates that this missense variant is expected to disrupt ABCC9 protein function with a positive predictive value of 95%. In summary, the available evidence is currently insufficient to determine the role of this variant in disease. Therefore, it has been classified as a Variant of Uncertain Significance.

Fulgent Genetics
Classification: Uncertain significance for Hypertrichotic osteochondrodysplasia Cantu type; Dilated cardiomyopathy 1O; Atrial fibrillation, familial, 12; Intellectual disability and myopathy syndrome. Last evaluated: 2021-10-06. Review status: criteria provided, single submitter. Criteria: ACMG Guidelines, 2015. Collection method: clinical testing. Allele origin: unknown.

Ambry Genetics
Classification: Uncertain significance for Cardiovascular phenotype. Last evaluated: 2020-01-03. Review status: criteria provided, single submitter. Criteria: Ambry Variant Classification Scheme 2023. Collection method: clinical testing. Allele origin: germline.
Comment: The p.K132R variant (also known as c.395A>G), located in coding exon 3 of the ABCC9 gene, results from an A to G substitution at nucleotide position 395. The lysine at codon 132 is replaced by arginine, an amino acid with highly similar properties. This amino acid position is highly conserved in available vertebrate species. In addition, the in silico prediction for this alteration is inconclusive. Since supporting evidence is limited at this time, the clinical significance of this alteration remains unclear.

Laboratory for Molecular Medicine, Mass General Brigham Personalized Medicine
Classification: Uncertain significance. Last evaluated: 2014-07-03. Review status: criteria provided, single submitter. Criteria: LMM Criteria. Collection method: clinical testing. Allele origin: germline. Observed: 1 variant allele.
Comment: The Lys132Arg variant in ABCC9 has not been previously reported in individuals w ith cardiomyopathy or in large population studies. Computational prediction tool s and conservation analysis do not provide strong support for or against an impa ct to the protein. In summary, the clinical significance of the Lys132Arg varian t is uncertain.

NM_020297.4(ABCC9):c.395A>G (p.Lys132Arg)

Gene: ABCC9 (ATP binding cassette subfamily C member 9; minus strand). Cytogenetic location: 12p12.1.
Variant type: single nucleotide variant.
Coding change: c.395A>G on transcript NM_020297.4 (MANE Select); coding-DNA position 395, A replaced by G.
Protein change: p.Lys132Arg; replaces lysine 132 with arginine.
Molecular consequence: missense variant. On other transcripts: 5 prime UTR variant (1).
Genome position (GRCh38, 1-based): chr12:21,925,953, T>C on the plus strand (A>G on the coding strand, the complement: ABCC9 is on the minus strand). VCF-style: chr12-21925953-T-C. GRCh37 (hg19) VCF-style: chr12-22078887-T-C.
Other names: c.395A>G, p.Lys132Arg (NM_001377273.1, NM_005691.4); c.-60A>G (NM_001377274.1); short protein forms K132R.
Identifiers: ClinVar variation 179833 (VCV000179833.15), dbSNP rs727505161, ClinGen allele CA185228.